The following is an entry in ClinVar:

NM_005216.5(DDOST):c.364C>T (p.Arg122Ter)

Gene: DDOST (dolichyl-diphosphooligosaccharide--protein glycosyltransferase non-catalytic subunit; minus strand). Cytogenetic location: 1p36.12.
Variant type: single nucleotide variant.
Coding change: c.364C>T on transcript NM_005216.5 (MANE Select); coding-DNA position 364, C replaced by T.
Protein change: p.Arg122Ter; replaces arginine 122 with a stop codon.
Molecular consequence: nonsense.
Genome position (GRCh38, 1-based): chr1:20,655,768, G>A on the plus strand (C>T on the coding strand, the complement: DDOST is on the minus strand). VCF-style: chr1-20655768-G-A. GRCh37 (hg19) VCF-style: chr1-20982261-G-A.
Other names: short protein forms R122*.
Identifiers: ClinVar variation 3694835 (VCV003694835.2).
Genomic context (GRCh38, chr1:20,655,768, plus strand): 5'-GGTCAATGACAGCCGTTTTCTCCTCGTCAAACTCAATCCCGCACTCACTGCCCAGCTCTC[G>A]AAGAGGGTCACCTGCACAGACCGAAGAGACACCTAGCTGAGCCCTTACAGGGGGGCCTTG-3'

ClinVar aggregate classification (germline): Uncertain significance (1 of 4 stars; one submission).

Conditions:
Congenital disorder of glycosylation type Ir (CDG1R). Also called: DDOST-congenital disorder of glycosylation. Identifiers: Orphanet 300536, MedGen C3281084, MONDO:0013789, OMIM 614507.

gnomAD v4.1: 6 of 1,613,820 alleles (0.00037%); highest among the groups gnomAD compares: Non-Finnish European, 0.00042%; no homozygotes.

Submission:

Labcorp Genetics (formerly Invitae), Labcorp
Classification: Uncertain significance for Congenital disorder of glycosylation type Ir. Last evaluated: 2024-07-31. Review status: criteria provided, single submitter. Criteria: Invitae Variant Classification Sherloc (09022015). Collection method: clinical testing. Allele origin: germline.
Comment: This sequence change creates a premature translational stop signal (p.Arg139*) in the DDOST gene. It is expected to result in an absent or disrupted protein product. However, the current clinical and genetic evidence is not sufficient to establish whether loss-of-function variants in DDOST cause disease. This variant is present in population databases (no rsID available, gnomAD 0.0009%). This variant has not been reported in the literature in individuals affected with DDOST-related conditions. In summary, the available evidence is currently insufficient to determine the role of this variant in disease. Therefore, it has been classified as a Variant of Uncertain Significance.